The following is an entry in ClinVar:

NM_004304.5(ALK):c.501G>T (p.Gln167His)

Gene: ALK (ALK receptor tyrosine kinase; minus strand). Cytogenetic location: 2p23.1.
Variant type: single nucleotide variant.
Coding change: c.501G>T on transcript NM_004304.5 (MANE Select); coding-DNA position 501, G replaced by T.
Protein change: p.Gln167His; replaces glutamine 167 with histidine.
Molecular consequence: missense variant.
Genome position (GRCh38, 1-based): chr2:29,920,159, C>A on the plus strand (G>T on the coding strand, the complement: ALK is on the minus strand). VCF-style: chr2-29920159-C-A. GRCh37 (hg19) VCF-style: chr2-30143025-C-A.
Other names: short protein forms Q167H.
Identifiers: ClinVar variation 569680 (VCV000569680.9), dbSNP rs781440137, ClinGen allele CA1594953.

ClinVar aggregate classification (germline): Uncertain significance. Review status: criteria provided, multiple submitters, no conflicts (2 of 4 stars). 2 submissions from 2 submitters: Uncertain significance (2). Last evaluated 2025-03-25.

Conditions:
Neuroblastoma, susceptibility to, 3. Also called: ALK-Related Neuroblastic Tumor Susceptibility. Identifiers: Orphanet 635, MedGen C2751681, MONDO:0013083, OMIM 613014.
Hereditary cancer-predisposing syndrome. Also called: Hereditary neoplastic syndrome; Neoplastic Syndromes, Hereditary; Hereditary Cancer Syndrome; Tumor predisposition. Identifiers: Orphanet 140162, MedGen C0027672, MeSH D009386, MONDO:0015356.

Allele frequency attached by ClinVar (database versions not stated): ExAC 0.00001; gnomAD exomes 0.00001.

Submissions (2):

Ambry Genetics
Classification: Uncertain significance for Hereditary cancer-predisposing syndrome. Last evaluated: 2025-03-25. Review status: criteria provided, single submitter. Criteria: Ambry Variant Classification Scheme 2023. Collection method: clinical testing. Allele origin: germline.
Comment: The p.Q167H variant (also known as c.501G>T), located in coding exon 1 of the ALK gene, results from a G to T substitution at nucleotide position 501. The glutamine at codon 167 is replaced by histidine, an amino acid with highly similar properties. This amino acid position is conserved. In addition, this alteration is predicted to be tolerated by in silico analysis. Based on the available evidence, the clinical significance of this variant remains unclear.

Labcorp Genetics (formerly Invitae), Labcorp
Classification: Uncertain significance for Neuroblastoma, susceptibility to, 3. Last evaluated: 2025-03-13. Review status: criteria provided, single submitter. Criteria: Invitae Variant Classification Sherloc (09022015). Collection method: clinical testing. Allele origin: germline.
Comment: This sequence change replaces glutamine, which is neutral and polar, with histidine, which is basic and polar, at codon 167 of the ALK protein (p.Gln167His). This variant is present in population databases (rs781440137, gnomAD 0.01%). This variant has not been reported in the literature in individuals affected with ALK-related conditions. ClinVar contains an entry for this variant (Variation ID: 569680). An algorithm developed to predict the effect of missense changes on protein structure and function (PolyPhen-2) suggests that this variant is likely to be tolerated. In summary, the available evidence is currently insufficient to determine the role of this variant in disease. Therefore, it has been classified as a Variant of Uncertain Significance.